The following is an entry in ClinVar:

NM_000094.4(COL7A1):c.5511A>C (p.Lys1837Asn)

Gene: COL7A1 (collagen type VII alpha 1 chain; minus strand). Cytogenetic location: 3p21.31.
Variant type: single nucleotide variant.
Coding change: c.5511A>C on transcript NM_000094.4 (MANE Select); coding-DNA position 5511, A replaced by C.
Protein change: p.Lys1837Asn; replaces lysine 1837 with asparagine.
Molecular consequence: missense variant.
Genome position (GRCh38, 1-based): chr3:48,578,342, T>G on the plus strand (A>C on the coding strand, the complement: COL7A1 is on the minus strand). VCF-style: chr3-48578342-T-G. GRCh37 (hg19) VCF-style: chr3-48615775-T-G.
Other names: short protein forms K1837N.
Identifiers: ClinVar variation 2158368 (VCV002158368.3), dbSNP rs765657876, ClinGen allele CA2379466.
Genomic context (GRCh38, chr3:48,578,342, plus strand): 5'-CTTGGCAGGTTTCGCCGCAGCTGCCCTGGACACACTCACGTTTTTTCCATTCAGGCCAGG[T>G]TTGCCATCCTCGCCTGGCTTTCCCTGTGGGAACAGATCACTGGTTGGATGTCGGGGATCG-3'
Protein context (NP_000085.1, residues 1827-1847): GLPGKPGEDG[Lys1837Asn]PGLNGKNGEP

ClinVar aggregate classification (germline): Uncertain significance (1 of 4 stars; one submission).

Allele frequency attached by ClinVar (database versions not stated): gnomAD 0.00001; gnomAD exomes 0.00001; ExAC 0.00002; TOPMed 0.00002.
gnomAD v4.1: 10 of 1,612,768 alleles (0.00062%); highest among the groups gnomAD compares: Non-Finnish European, 0.00068%; 1 homozygote.

Submission:

Labcorp Genetics (formerly Invitae), Labcorp
Classification: Uncertain significance. Last evaluated: 2024-08-16. Review status: criteria provided, single submitter. Criteria: Invitae Variant Classification Sherloc (09022015). Collection method: clinical testing. Allele origin: germline.
Comment: This sequence change replaces lysine, which is basic and polar, with asparagine, which is neutral and polar, at codon 1837 of the COL7A1 protein (p.Lys1837Asn). This variant is present in population databases (rs765657876, gnomAD 0.002%). This variant has not been reported in the literature in individuals affected with COL7A1-related conditions. ClinVar contains an entry for this variant (Variation ID: 2158368). Invitae Evidence Modeling of protein sequence and biophysical properties (such as structural, functional, and spatial information, amino acid conservation, physicochemical variation, residue mobility, and thermodynamic stability) indicates that this missense variant is not expected to disrupt COL7A1 protein function with a negative predictive value of 95%. In summary, the available evidence is currently insufficient to determine the role of this variant in disease. Therefore, it has been classified as a Variant of Uncertain Significance.